The following is an entry in ClinVar:

ClinVar aggregate classification (germline): Benign. Review status: criteria provided, multiple submitters, no conflicts (2 of 4 stars). 2 submissions from 2 submitters: Benign (2). Last evaluated 2018-06-19.

Allele frequency attached by ClinVar (database versions not stated): 1000 Genomes Project 0.07208; gnomAD 0.07378; 1000 Genomes Project 30x 0.07448; TOPMed 0.07928.
gnomAD v4.1: 40,933 of 575,074 alleles (7.1%); highest among the groups gnomAD compares: Middle Eastern, 16%; 1,816 homozygotes.

Submissions (2):

GeneDx
Classification: Benign. Last evaluated: 2018-06-19. Review status: criteria provided, single submitter. Criteria: GeneDx Variant Classification (06012015). Collection method: clinical testing. Allele origin: germline. Affected: yes.
Comment: This variant is considered likely benign or benign based on one or more of the following criteria: it is a conservative change, it occurs at a poorly conserved position in the protein, it is predicted to be benign by multiple in silico algorithms, and/or has population frequency not consistent with disease.

Breakthrough Genomics
Classification: Benign. Review status: criteria provided, single submitter. Criteria: ACMG Guidelines, 2015. Collection method: not provided. Allele origin: germline. Inheritance: Autosomal dominant inheritance. Affected: yes.

NM_001271.4(CHD2):c.551+152A>G

Gene: CHD2 (chromodomain helicase DNA binding protein 2; plus strand). Cytogenetic location: 15q26.1.
Variant type: single nucleotide variant.
Coding change: c.551+152A>G on transcript NM_001271.4 (MANE Select); 152 bases into the intron after coding-DNA position 551, A replaced by G.
Molecular consequence: intron variant.
Genome position (GRCh38, 1-based): chr15:92,937,777, A>G. VCF-style: chr15-92937777-A-G. GRCh37 (hg19) VCF-style: chr15-93481007-A-G.
Other names: c.551+152A>G (NM_001042572.3).
Identifiers: ClinVar variation 681300 (VCV000681300.2), dbSNP rs2272463, ClinGen allele CA14138785.
Genomic context (GRCh38, chr15:92,937,777, plus strand): 5'-GAGATGCATTGTGTTTTGATTCTGCGTTTTAGATATCTGTGGTTCACTTTCAGCCAGCCT[A>G]CATTGCAGGTCTTACTGCTTCTTTCTTCGCAGACTGGCTATCGTGGGGCAAACATGTCTT-3'